The following is an entry in ClinVar:

NM_177438.3(DICER1):c.2117G>C (p.Gly706Ala)

Gene: DICER1 (dicer 1, ribonuclease III; minus strand). Cytogenetic location: 14q32.13.
Variant type: single nucleotide variant.
Coding change: c.2117G>C on transcript NM_177438.3 (MANE Select); coding-DNA position 2117, G replaced by C.
Protein change: p.Gly706Ala; replaces glycine 706 with alanine.
Molecular consequence: missense variant. On other transcripts: non-coding transcript variant (6).
Genome position (GRCh38, 1-based): chr14:95,111,456, C>G on the plus strand (G>C on the coding strand, the complement: DICER1 is on the minus strand). VCF-style: chr14-95111456-C-G. GRCh37 (hg19) VCF-style: chr14-95577793-C-G.
Other names: c.2117G>C, p.Gly706Ala (NM_001195573.1, NM_001271282.3, NM_001291628.2 and 12 more transcripts); c.1835G>C, p.Gly612Ala (NM_001395686.1); c.1712G>C, p.Gly571Ala (NM_001395687.1, NM_001395688.1, NM_001395689.1 and 3 more transcripts); c.1550G>C, p.Gly517Ala (NM_001395691.1); c.434G>C, p.Gly145Ala (NM_001395697.1); short protein forms G517A, G706A, G145A, G571A, G612A.
Identifiers: ClinVar variation 3654337 (VCV003654337.2).

ClinVar aggregate classification (germline): Uncertain significance (1 of 4 stars; one submission).

Conditions:
DICER1-related tumor predisposition. Also called: DICER1-related pleuropulmonary blastoma cancer predisposition syndrome; DICER1 syndrome. Identifiers: Orphanet 284343, MedGen C3839822, MONDO:0100216.

Submission:

Labcorp Genetics (formerly Invitae), Labcorp
Classification: Uncertain significance for DICER1-related tumor predisposition. Last evaluated: 2025-03-26. Review status: criteria provided, single submitter. Criteria: Invitae Variant Classification Sherloc (09022015). Collection method: clinical testing. Allele origin: germline.
Comment: This sequence change replaces glycine, which is neutral and non-polar, with alanine, which is neutral and non-polar, at codon 706 of the DICER1 protein (p.Gly706Ala). This variant is not present in population databases (gnomAD no frequency). This variant has not been reported in the literature in individuals affected with DICER1-related conditions. Invitae Evidence Modeling of protein sequence and biophysical properties (such as structural, functional, and spatial information, amino acid conservation, physicochemical variation, residue mobility, and thermodynamic stability) has been performed for this missense variant. However, the output from this modeling did not meet the statistical confidence thresholds required to predict the impact of this variant on DICER1 protein function. In summary, the available evidence is currently insufficient to determine the role of this variant in disease. Therefore, it has been classified as a Variant of Uncertain Significance.